The following is an entry in ClinVar:

NM_001330700.2(TOP2B):c.4513C>T (p.Pro1505Ser)

Gene: TOP2B (DNA topoisomerase II beta; minus strand). Cytogenetic location: 3p24.2.
Variant type: single nucleotide variant.
Coding change: c.4513C>T on transcript NM_001330700.2 (MANE Select); coding-DNA position 4513, C replaced by T.
Protein change: p.Pro1505Ser; replaces proline 1505 with serine.
Molecular consequence: missense variant.
Genome position (GRCh38, 1-based): chr3:25,601,202, G>A on the plus strand (C>T on the coding strand, the complement: TOP2B is on the minus strand). VCF-style: chr3-25601202-G-A. GRCh37 (hg19) VCF-style: chr3-25642693-G-A.
Other names: c.4498C>T, p.Pro1500Ser (NM_001068.3); short protein forms P1505S, P1500S.
Identifiers: ClinVar variation 4704834 (VCV004704834.1).

ClinVar aggregate classification (germline): Uncertain significance (1 of 4 stars; one submission).

gnomAD v4.1: 5 of 1,613,472 alleles (0.00031%); highest among the groups gnomAD compares: Non-Finnish European, 0.00042%; no homozygotes.

Submission:

Labcorp Genetics (formerly Invitae), Labcorp
Classification: Uncertain significance. Last evaluated: 2025-06-29. Review status: criteria provided, single submitter. Criteria: Invitae Variant Classification Sherloc (09022015). Collection method: clinical testing. Allele origin: germline.
Comment: This sequence change replaces proline, which is neutral and non-polar, with serine, which is neutral and polar, at codon 1500 of the TOP2B protein (p.Pro1500Ser). This variant is not present in population databases (gnomAD no frequency). This variant has not been reported in the literature in individuals affected with TOP2B-related conditions. An algorithm developed to predict the effect of missense changes on protein structure and function outputs the following: PolyPhen-2: "Benign". The serine amino acid residue is found in multiple mammalian species, which suggests that this missense change does not adversely affect protein function. In summary, the available evidence is currently insufficient to determine the role of this variant in disease. Therefore, it has been classified as a Variant of Uncertain Significance.